The following is an entry in ClinVar:

ClinVar aggregate classification (germline): Likely pathogenic (1 of 4 stars; one submission).

Conditions:
Pontocerebellar hypoplasia type 7. Identifiers: Orphanet 284339, MedGen C3554226, MONDO:0013993, OMIM 614969.

Submission:

3billion
Classification: Likely pathogenic for Pontocerebellar hypoplasia type 7. Last evaluated: 2022-05-22. Review status: criteria provided, single submitter. Criteria: ACMG Guidelines, 2015. Collection method: clinical testing. Allele origin: germline. Affected: yes. Observed: 1 heterozygote.
Comment: The variant is not observed in the gnomAD v2.1.1 dataset. Frameshift: predicted to result in a loss or disruption of normal protein function through protein truncation. Multiple pathogenic variants are reported in the predicted truncated region. Therefore, this variant is classified as likely pathogenic according to the recommendation of ACMG/AMP guideline.

NM_025077.4(TOE1):c.1062del (p.Thr355fs)

Gene: TOE1 (target of EGR1, exonuclease; plus strand). Cytogenetic location: 1p34.1.
Variant type: Deletion.
Coding change: c.1062del on transcript NM_025077.4 (MANE Select); coding-DNA position 1062, one base deleted (G; older notation c.1062delG).
Protein change: p.Thr355fs; shifts the reading frame from threonine 355.
Molecular consequence: frameshift variant.
Genome position (GRCh38, 1-based): chr1:45,343,231, G deleted; the last of 4 consecutive G bases (chr1:45,343,228-45,343,231); deleting any one gives the same sequence. VCF-style (leftmost placement, unchanged base first): chr1-45343227-CG-C. GRCh37 (hg19) VCF-style: chr1-45808899-CG-C.
Other names: short protein forms T355fs.
Identifiers: ClinVar variation 1687385 (VCV001687385.1), dbSNP rs2149260739, ClinGen allele CA2573131910.